The following is an entry in ClinVar:

NM_015662.3(IFT172):c.2025C>T (p.Gly675=)

Gene: IFT172 (intraflagellar transport 172; minus strand). Cytogenetic location: 2p23.3.
Variant type: single nucleotide variant.
Coding change: c.2025C>T on transcript NM_015662.3 (MANE Select); coding-DNA position 2025, C replaced by T.
Protein change: p.Gly675=; no amino-acid change (glycine 675 retained).
Molecular consequence: synonymous variant.
Genome position (GRCh38, 1-based): chr2:27,462,791, G>A on the plus strand (C>T on the coding strand, the complement: IFT172 is on the minus strand). VCF-style: chr2-27462791-G-A. GRCh37 (hg19) VCF-style: chr2-27685658-G-A.
Identifiers: ClinVar variation 725952 (VCV000725952.12), dbSNP rs762659921, ClinGen allele CA1580432.

ClinVar aggregate classification (germline): Likely benign. Review status: criteria provided, multiple submitters, no conflicts (2 of 4 stars). 4 submissions from 4 submitters: Likely benign (3). 1 of the submissions does not count toward it. Last evaluated 2024-04-13.

Conditions:
Retinitis pigmentosa 71 (RP71). Identifiers: Orphanet 791, MedGen C4225342, MONDO:0014618, OMIM 616394.
Short-rib thoracic dysplasia 10 with or without polydactyly (SRTD10). Identifiers: Orphanet 474, MedGen C3810175, MONDO:0014284, OMIM 615630.
Bardet-Biedl syndrome 20. Identifiers: MedGen C4310707, MONDO:0023670, OMIM 619471, MONDO:0014926.
IFT172-related disorder. Also called: IFT172-related disorders; IFT172-related condition.

Allele frequency attached by ClinVar (database versions not stated): ExAC 0.00001; gnomAD 0.00001; gnomAD exomes 0.00002 and 0.00004; TOPMed 0.00002.
gnomAD v4.1: 57 of 1,613,896 alleles (0.0035%); highest among the groups gnomAD compares: Non-Finnish European, 0.0046%; no homozygotes.

Submissions (4):

Labcorp Genetics (formerly Invitae), Labcorp
Classification: Likely benign for Retinitis pigmentosa 71; Short-rib thoracic dysplasia 10 with or without polydactyly. Last evaluated: 2024-04-13. Review status: criteria provided, single submitter. Criteria: Invitae Variant Classification Sherloc (09022015). Collection method: clinical testing. Allele origin: germline.

Blueprint Genetics
Classification: Likely benign. Last evaluated: 2022-12-02. Review status: criteria provided, single submitter. Criteria: ACMG Guidelines, 2015. Collection method: clinical testing. Allele origin: germline.

Fulgent Genetics
Classification: Likely benign for Short-rib thoracic dysplasia 10 with or without polydactyly; Retinitis pigmentosa 71; Bardet-Biedl syndrome 20. Last evaluated: 2021-10-23. Review status: criteria provided, single submitter. Criteria: ACMG Guidelines, 2015. Collection method: clinical testing. Allele origin: unknown.

PreventionGenetics, part of Exact Sciences
Classification: Likely benign for IFT172-related condition. Last evaluated: 2019-10-01. Review status: no assertion criteria provided. Collection method: clinical testing. Allele origin: germline. Not counted in ClinVar's aggregate classification.
Comment: This variant is classified as likely benign based on ACMG/AMP sequence variant interpretation guidelines (Richards et al. 2015 PMID: 25741868, with internal and published modifications).